The following is an entry in ClinVar:

NM_001377334.1(PIK3C2B):c.2660T>C (p.Leu887Pro)

Gene: PIK3C2B (phosphatidylinositol-4-phosphate 3-kinase catalytic subunit type 2 beta; minus strand). Cytogenetic location: 1q32.1.
Variant type: single nucleotide variant.
Coding change: c.2660T>C on transcript NM_001377334.1 (MANE Select); coding-DNA position 2660, T replaced by C.
Protein change: p.Leu887Pro; replaces leucine 887 with proline.
Molecular consequence: missense variant.
Genome position (GRCh38, 1-based): chr1:204,445,974, A>G on the plus strand (T>C on the coding strand, the complement: PIK3C2B is on the minus strand). VCF-style: chr1-204445974-A-G. GRCh37 (hg19) VCF-style: chr1-204415102-A-G.
Other names: c.2576T>C, p.Leu859Pro (NM_001377335.1); c.2660T>C, p.Leu887Pro (NM_002646.4); short protein forms L859P, L887P.
Identifiers: ClinVar variation 4997576 (VCV004997576.1).

ClinVar aggregate classification (germline): Uncertain significance (1 of 4 stars; one submission).

Conditions:
PIK3C2B-related disorder. Also called: PIK3C2B-related condition.

gnomAD v4.1: 3 of 1,547,066 alleles (0.00019%); highest among the groups gnomAD compares: African/African-American, 0.0041%; no homozygotes.

Submission:

PreventionGenetics, part of Exact Sciences
Classification: Uncertain significance for PIK3C2B-related condition. Last evaluated: 2025-02-25. Review status: criteria provided, single submitter. Criteria: ACMG Guidelines, 2015. Collection method: clinical testing. Allele origin: germline.
Comment: The PIK3C2B c.2660T>C variant is predicted to result in the amino acid substitution p.Leu887Pro. To our knowledge, this variant has not been reported in the literature. This variant is reported in 0.0064% of alleles in individuals of African descent in gnomAD. At this time, the clinical significance of this variant is uncertain due to the absence of conclusive functional and genetic evidence.